The following is an entry in ClinVar:

NM_003680.4(YARS1):c.52C>T (p.Leu18=)

Genes: S100PBP (S100P binding protein; plus strand), YARS1 (tyrosyl-tRNA synthetase 1; minus strand). Cytogenetic location: 1p35.1.
Variant type: single nucleotide variant.
Coding change: c.52C>T on transcript NM_003680.4 (MANE Select); coding-DNA position 52, C replaced by T.
Protein change: p.Leu18=; no amino-acid change (leucine 18 retained).
Molecular consequence: synonymous variant.
Genome position (GRCh38, 1-based): chr1:32,817,193, G>A on the plus strand (C>T on the coding strand, the complement: YARS1 is on the minus strand). VCF-style: chr1-32817193-G-A. GRCh37 (hg19) VCF-style: chr1-33282794-G-A.
Identifiers: ClinVar variation 289456 (VCV000289456.27), dbSNP rs147538442, ClinGen allele CA745318.

ClinVar aggregate classification (germline): Benign/Likely benign. Review status: criteria provided, multiple submitters, no conflicts (2 of 4 stars). 8 submissions from 8 submitters: Benign (4); Likely benign (4). Last evaluated 2026-01-05.

Conditions:
YARS1-related disorder. Also called: YARS1-related condition.
Inborn genetic diseases. Identifiers: MedGen C0950123, MeSH D030342.
Charcot-Marie-Tooth disease dominant intermediate C (CMTDIC). Also called: CHARCOT-MARIE-TOOTH NEUROPATHY, DOMINANT INTERMEDIATE C. Identifiers: Orphanet 100045, MedGen C1842237, MONDO:0012012, OMIM 608323.

Allele frequency attached by ClinVar (database versions not stated): gnomAD exomes 0.00021 and 0.00044; ExAC 0.00052; gnomAD 0.00204 and 0.00218; ESP Exome Variant Server 0.00223; 1000 Genomes Project 0.00300; TOPMed 0.00302; 1000 Genomes Project 30x 0.00328.
gnomAD v4.1: 656 of 1,614,214 alleles (0.041%); highest among the groups gnomAD compares: African/African-American, 0.7%; 5 homozygotes.

Submissions (8):

Labcorp Genetics (formerly Invitae), Labcorp
Classification: Benign for Charcot-Marie-Tooth disease dominant intermediate C. Last evaluated: 2026-01-05. Review status: criteria provided, single submitter. Criteria: Invitae Variant Classification Sherloc (09022015). Collection method: clinical testing. Allele origin: germline.

PreventionGenetics, part of Exact Sciences
Classification: Likely benign for YARS1-related condition. Last evaluated: 2025-03-17. Review status: criteria provided, single submitter. Criteria: ACMG Guidelines, 2015. Collection method: clinical testing. Allele origin: germline.
Comment: This variant is classified as likely benign based on ACMG/AMP sequence variant interpretation guidelines (Richards et al. 2015 PMID: 25741868, with internal and published modifications).

Athena Diagnostics
Classification: Benign. Last evaluated: 2024-09-04. Review status: criteria provided, single submitter. Criteria: Athena Diagnostics Criteria. Collection method: clinical testing. Allele origin: unknown.

GeneDx
Classification: Likely benign. Last evaluated: 2020-02-19. Review status: criteria provided, single submitter. Criteria: GeneDx Variant Classification Process June 2021. Collection method: clinical testing. Allele origin: germline. Affected: yes.

Ambry Genetics
Classification: Likely benign for Inborn genetic diseases. Last evaluated: 2019-07-11. Review status: criteria provided, single submitter. Criteria: Ambry Variant Classification Scheme 2023. Collection method: clinical testing. Allele origin: germline.

Illumina Laboratory Services, Illumina
Classification: Benign for Charcot-Marie-Tooth disease dominant intermediate C. Last evaluated: 2018-01-12. Review status: criteria provided, single submitter. Criteria: ICSL Variant Classification Criteria 13 December 2019. Collection method: clinical testing. Allele origin: germline.
Comment: This variant was observed in the ICSL laboratory as part of a predisposition screen in an ostensibly healthy population. It had not been previously curated by ICSL or reported in the Human Gene Mutation Database (HGMD: prior to June 1st, 2018), and was therefore a candidate for classification through an automated scoring system. Utilizing variant allele frequency, disease prevalence and penetrance estimates, and inheritance mode, an automated score was calculated to assess if this variant is too frequent to cause the disease. Based on the score and internal cut-off values, a variant classified as benign is not then subjected to further curation. The score for this variant resulted in a classification of benign for this disease.

Eurofins Ntd Llc (ga)
Classification: Benign. Last evaluated: 2016-08-26. Review status: criteria provided, single submitter. Criteria: EGL Classification Definitions 2015. Collection method: clinical testing. Allele origin: germline. Observed: 1 variant allele, 1 heterozygote.

Breakthrough Genomics
Classification: Likely benign. Review status: criteria provided, single submitter. Criteria: ACMG Guidelines, 2015. Collection method: not provided. Allele origin: germline. Inheritance: Autosomal recessive inheritance. Affected: yes.